The following is an entry in ClinVar:

NM_000138.5(FBN1):c.644G>A (p.Arg215Gln)

Gene: FBN1 (fibrillin 1; minus strand). Cytogenetic location: 15q21.1.
Variant type: single nucleotide variant.
Coding change: c.644G>A on transcript NM_000138.5 (MANE Select); coding-DNA position 644, G replaced by A.
Protein change: p.Arg215Gln; replaces arginine 215 with glutamine.
Molecular consequence: missense variant.
Genome position (GRCh38, 1-based): chr15:48,537,703, C>T on the plus strand (G>A on the coding strand, the complement: FBN1 is on the minus strand). VCF-style: chr15-48537703-C-T. GRCh37 (hg19) VCF-style: chr15-48829900-C-T.
Other names: short protein forms R215Q.
Identifiers: ClinVar variation 546752 (VCV000546752.56), dbSNP rs753703844, ClinGen allele CA056803.
Genomic context (GRCh38, chr15:48,537,703, plus strand): 5'-AAGCCACGGCGGCAGGGGTGAGGCTGGGCAGGACACATCTCACAGGGGTGGCCCCAGGCT[C>T]GGCCGACTGTGGCACAGCAGAGCGTTTTTGTGCAGACAATCCCGCTGAGTTGTCCCTGGC-3'
Protein context (NP_000129.3, residues 205-225): TKTLCCATVG[Arg215Gln]AWGHPCEMCP

ClinVar aggregate classification (germline): Uncertain significance. Review status: criteria provided, multiple submitters, no conflicts (2 of 4 stars). 4 submissions from 4 submitters: Uncertain significance (4). Last evaluated 2025-05-13.

Conditions:
Familial thoracic aortic aneurysm and aortic dissection (TAAD). Also called: Thoracic aortic aneurysms and dissections. Identifiers: Orphanet 91387, MedGen C4707243, MONDO:0019625.
Marfan syndrome (MFS). Also called: MARFAN SYNDROME, TYPE I; Marfan syndrome type 1; Marfan's syndrome; Marfan syndrome, classic; FBN1-Related Marfan Syndrome. Identifiers: Orphanet 284963, Orphanet 558, MedGen C0024796, MONDO:0007947, OMIM 154700.

Allele frequency attached by ClinVar (database versions not stated): gnomAD exomes below 0.00001; ExAC 0.00001; gnomAD 0.00001; TOPMed 0.00001.
gnomAD v4.1: 6 of 1,614,096 alleles (0.00037%); highest among the groups gnomAD compares: South Asian, 0.0044%; no homozygotes.

Submissions (4):

Color Diagnostics, LLC DBA Color Health
Classification: Uncertain significance for Familial thoracic aortic aneurysm and aortic dissection. Last evaluated: 2025-05-13. Review status: criteria provided, single submitter. Criteria: ACMG Guidelines, 2015. Collection method: clinical testing. Allele origin: germline.
Comment: This missense variant replaces arginine with glutamine at codon 215 of the FBN1 protein. omputational prediction suggests that this variant may not impact protein structure and function. To our knowledge, functional studies have not been reported for this variant. This variant has not been reported in individuals affected with FBN1-related disorders in the literature. This variant has been identified in 1/251394 chromosomes in the general population by the Genome Aggregation Database (gnomAD). The available evidence is insufficient to determine the role of this variant in disease conclusively. Therefore, this variant is classified as a Variant of Uncertain Significance.

All of Us Research Program, National Institutes of Health
Classification: Uncertain significance for Marfan syndrome. Last evaluated: 2024-05-17. Review status: criteria provided, single submitter. Criteria: ACMG Guidelines, 2015. Collection method: clinical testing. Allele origin: germline. Inheritance: Autosomal dominant inheritance. Observed: 2 variant alleles, 2 heterozygotes.
Comment: Variant of Uncertain Significance due to insufficient evidence: This missense variant is located in the TGFbeta-like motif 1 of the FBN1 protein. Computational prediction tools and conservation analyses suggest that this variant may have deleterious impact on the protein function. Computational splicing tools suggest that this variant may not impact RNA splicing. To our knowledge, functional assays have not been performed for this variant nor has this variant been reported in individuals affected with cardiovascular disorders in the literature. This variant has been identified in 1/246170 chromosomes in the general population by the Genome Aggregation Database (gnomAD). Available evidence is insufficient to determine the pathogenicity of this variant conclusively.

This study involves interpretation of variants in research participants for the purpose of population health screening. Participant phenotype was not available at the time of variant classification. Additional details can be found in publication PMID: 35346344, PMCID: PMC8962531

Labcorp Genetics (formerly Invitae), Labcorp
Classification: Uncertain significance for Marfan syndrome; Familial thoracic aortic aneurysm and aortic dissection. Last evaluated: 2022-07-19. Review status: criteria provided, single submitter. Criteria: Invitae Variant Classification Sherloc (09022015). Collection method: clinical testing. Allele origin: germline.
Comment: Algorithms developed to predict the effect of missense changes on protein structure and function are either unavailable or do not agree on the potential impact of this missense change (SIFT: "Tolerated"; PolyPhen-2: "Probably Damaging"; Align-GVGD: "Class C0"). ClinVar contains an entry for this variant (Variation ID: 546752). This variant has not been reported in the literature in individuals affected with FBN1-related conditions. In summary, the available evidence is currently insufficient to determine the role of this variant in disease. Therefore, it has been classified as a Variant of Uncertain Significance. This variant is present in population databases (rs753703844, gnomAD 0.003%). This sequence change replaces arginine, which is basic and polar, with glutamine, which is neutral and polar, at codon 215 of the FBN1 protein (p.Arg215Gln).

CeGaT Center for Human Genetics Tuebingen
Classification: Uncertain significance. Last evaluated: 2018-01-01. Review status: criteria provided, single submitter. Criteria: CeGaT Center For Human Genetics Tuebingen Variant Classification Criteria Version 2. Collection method: clinical testing. Allele origin: germline. Affected: yes. Observed: 1 variant allele.